The following is an entry in ClinVar:

ClinVar aggregate classification (germline): Pathogenic (1 of 4 stars; one submission).

Submission:

Labcorp Genetics (formerly Invitae), Labcorp
Classification: Pathogenic. Last evaluated: 2024-07-19. Review status: criteria provided, single submitter. Criteria: Invitae Variant Classification Sherloc (09022015). Collection method: clinical testing. Allele origin: germline.
Comment: This sequence change creates a premature translational stop signal (p.Leu2930Profs*62) in the ZNF469 gene. While this is not anticipated to result in nonsense mediated decay, it is expected to disrupt the last 996 amino acid(s) of the ZNF469 protein. This variant is not present in population databases (gnomAD no frequency). This variant has not been reported in the literature in individuals affected with ZNF469-related conditions. This variant disrupts a region of the ZNF469 protein in which other variant(s) (p.Pro3556Glnfs*136) have been determined to be pathogenic (PMID: 32671420). This suggests that this is a clinically significant region of the protein, and that variants that disrupt it are likely to be disease-causing. For these reasons, this variant has been classified as Pathogenic.

Literature cited by the submitters: PubMed 32671420.

NM_001367624.2(ZNF469):c.8860_8867dup (p.Leu2958fs)

Gene: ZNF469 (zinc finger protein 469; plus strand). Cytogenetic location: 16q24.2.
Variant type: Duplication.
Coding change: c.8860_8867dup on transcript NM_001367624.2 (MANE Select); coding-DNA positions 8860 to 8867, 8 bases duplicated (TGGGCCCC; older notation c.8860_8867dupTGGGCCCC).
Protein change: p.Leu2958fs; shifts the reading frame from leucine 2958.
Molecular consequence: frameshift variant.
Genome position (GRCh38, 1-based): chr16:88,436,330-88,436,337, TGGGCCCC duplicated; duplicating any 8 consecutive bases within chr16:88,436,326-88,436,337 gives the same sequence; the c. name uses the placement nearest the transcript's 3' end. VCF-style (leftmost placement, unchanged base first): chr16-88436325-A-ACCCCTGGG. GRCh37 (hg19) VCF-style: chr16-88502733-A-ACCCCTGGG.
Other names: short protein forms L2958fs.
Identifiers: ClinVar variation 3659917 (VCV003659917.2).